The following is an entry in ClinVar:

NM_005271.5(GLUD1):c.585T>C (p.Asp195=)

Gene: GLUD1 (glutamate dehydrogenase 1; minus strand). Cytogenetic location: 10q23.2.
Variant type: single nucleotide variant.
Coding change: c.585T>C on transcript NM_005271.5 (MANE Select); coding-DNA position 585, T replaced by C.
Protein change: p.Asp195=; no amino-acid change (aspartic acid 195 retained).
Molecular consequence: synonymous variant.
Genome position (GRCh38, 1-based): chr10:87,074,612, A>G on the plus strand (T>C on the coding strand, the complement: GLUD1 is on the minus strand). VCF-style: chr10-87074612-A-G. GRCh37 (hg19) VCF-style: chr10-88834369-A-G.
Other names: c.186T>C, p.Asp62= (NM_001318900.1); c.84T>C, p.Asp28= (NM_001318901.1, NM_001318902.1, NM_001318904.2 and 2 more transcripts).
Identifiers: ClinVar variation 585938 (VCV000585938.17), dbSNP rs756647962, ClinGen allele CA5587634.
Genomic context (GRCh38, chr10:87,074,612, plus strand): 5'-AATAAAGCCCTTTTTTGCTAGCTCCATGGTGAACCTCCTTGTGATCTTTTCCAATTCATT[A>G]TCCTGTAAAATAAGAAAACAAAAACAAAAGAAAAAATTGATATAAAAATCGCTTGAGATT-3'
Protein context (NP_005262.1, residues 185-205): GVKINPKNYT[Asp195=]NELEKITRRF

ClinVar aggregate classification (germline): Benign/Likely benign. Review status: criteria provided, multiple submitters, no conflicts (2 of 4 stars). 5 submissions from 5 submitters: Benign (2); Likely benign (2). 1 of the submissions does not count toward it. Last evaluated 2026-03-09.

Conditions:
GLUD1-related disorder. Also called: GLUD1-related condition.
Inborn genetic diseases. Identifiers: MedGen C0950123, MeSH D030342.
Hyperinsulinism-hyperammonemia syndrome (HHF6). Identifiers: Orphanet 35878, MedGen C1847555, MONDO:0011717, OMIM 606762.

Allele frequency attached by ClinVar (database versions not stated): gnomAD exomes 0.00004 and 0.00017; gnomAD 0.00005; TOPMed 0.00009; ExAC 0.00010.
gnomAD v4.1: 59 of 1,558,716 alleles (0.0038%); highest among the groups gnomAD compares: Admixed American, 0.097%; no homozygotes.

Submissions (5):

Women's Health and Genetics/Laboratory Corporation of America, LabCorp
Classification: Benign. Last evaluated: 2026-03-09. Review status: criteria provided, single submitter. Criteria: LabCorp Variant Classification Summary - May 2015. Collection method: clinical testing. Allele origin: germline.

Labcorp Genetics (formerly Invitae), Labcorp
Classification: Likely benign for Hyperinsulinism-hyperammonemia syndrome. Last evaluated: 2025-09-10. Review status: criteria provided, single submitter. Criteria: Invitae Variant Classification Sherloc (09022015). Collection method: clinical testing. Allele origin: germline.

Ambry Genetics
Classification: Likely benign for Inborn genetic diseases. Last evaluated: 2022-10-27. Review status: criteria provided, single submitter. Criteria: Ambry Variant Classification Scheme 2023. Collection method: clinical testing. Allele origin: germline.

Athena Diagnostics
Classification: Benign. Last evaluated: 2017-11-10. Review status: criteria provided, single submitter. Criteria: Athena Diagnostics Criteria. Collection method: clinical testing. Allele origin: germline.

PreventionGenetics, part of Exact Sciences
Classification: Likely benign for GLUD1-related condition. Last evaluated: 2019-06-04. Review status: no assertion criteria provided. Collection method: clinical testing. Allele origin: germline. Not counted in ClinVar's aggregate classification.
Comment: This variant is classified as likely benign based on ACMG/AMP sequence variant interpretation guidelines (Richards et al. 2015 PMID: 25741868, with internal and published modifications).